The following is an entry in ClinVar:

ClinVar aggregate classification (germline): Likely pathogenic (1 of 4 stars; one submission).

Conditions:
COL3A1-related disorder. Also called: COL3A1-related condition.

Submission:

PreventionGenetics, part of Exact Sciences
Classification: Likely pathogenic for COL3A1-related condition. Last evaluated: 2026-07-21. Review status: criteria provided, single submitter. Criteria: ACMG Guidelines, 2015. Collection method: clinical testing. Allele origin: germline.
Comment: The COL3A1 c.1672G>A variant is predicted to result in the amino acid substitution p.Gly558Arg. To our knowledge, this specific nucleotide change has not been reported in the literature or in a large population database (gnomAD), indicating this variant is rare. An alternate nucleotide change that results in the same amino acid change (c.1672G>C; p.Gly558Arg) has been reported in patients with COL3A1-related disorders (Frank et al. 2015. PubMed ID: 25758994; Supp. Table 4, Legrand et al. 2018. PubMed ID: 30474650). The majority of documented causative missense variants in COL3A1 substitute a glycine residue to another amino acid in the Gly-X-Y triple helical domain (Pepin et al. 2014. PubMed ID: 24922459). This variant is interpreted as likely pathogenic.

NM_000090.4(COL3A1):c.1672G>A (p.Gly558Arg)

Gene: COL3A1 (collagen type III alpha 1 chain; plus strand). Cytogenetic location: 2q32.2.
Variant type: single nucleotide variant.
Coding change: c.1672G>A on transcript NM_000090.4 (MANE Select); coding-DNA position 1672, G replaced by A.
Protein change: p.Gly558Arg; replaces glycine 558 with arginine.
Molecular consequence: missense variant.
Genome position (GRCh38, 1-based): chr2:188,996,407, G>A. VCF-style: chr2-188996407-G-A. GRCh37 (hg19) VCF-style: chr2-189861133-G-A.
Other names: short protein forms G558R.
Identifiers: ClinVar variation 4998552 (VCV004998552.1).